The following is an entry in ClinVar:

NM_005506.4(SCARB2):c.1240-18A>G

Gene: SCARB2 (scavenger receptor class B member 2; minus strand). Cytogenetic location: 4q21.1.
Variant type: single nucleotide variant.
Coding change: c.1240-18A>G on transcript NM_005506.4 (MANE Select); 18 bases into the intron before coding-DNA position 1240, A replaced by G.
Molecular consequence: intron variant.
Genome position (GRCh38, 1-based): chr4:76,163,401, T>C on the plus strand (A>G on the coding strand, the complement: SCARB2 is on the minus strand). VCF-style: chr4-76163401-T-C. GRCh37 (hg19) VCF-style: chr4-77084554-T-C.
Other names: c.811-18A>G (NM_001204255.2).
Identifiers: ClinVar variation 516303 (VCV000516303.9), dbSNP rs371940249, ClinGen allele CA2970137.

ClinVar aggregate classification (germline): Likely benign. Review status: criteria provided, multiple submitters, no conflicts (2 of 4 stars). 3 submissions from 3 submitters: Likely benign (3). Last evaluated 2024-03-04.

Conditions:
Progressive myoclonic epilepsy. Also called: Myoclonic Epilepsies, Progressive; Progressive myoclonus epilepsy; Familial progressive myoclonic epilepsy; Myoclonus epilepsy. Identifiers: Orphanet 308, Orphanet 98261, MedGen C0751778, MONDO:0020074.

Allele frequency attached by ClinVar (database versions not stated): ExAC 0.00002; gnomAD exomes 0.00002 and 0.00004; gnomAD 0.00003 and 0.00004; TOPMed 0.00003; ESP Exome Variant Server 0.00008.
gnomAD v4.1: 59 of 1,613,756 alleles (0.0037%); highest among the groups gnomAD compares: Non-Finnish European, 0.0049%; no homozygotes.

Submissions (3):

Labcorp Genetics (formerly Invitae), Labcorp
Classification: Likely benign for Progressive myoclonic epilepsy. Last evaluated: 2024-03-04. Review status: criteria provided, single submitter. Criteria: Invitae Variant Classification Sherloc (09022015). Collection method: clinical testing. Allele origin: germline.

Blueprint Genetics
Classification: Likely benign. Last evaluated: 2024-02-26. Review status: criteria provided, single submitter. Criteria: ACMG Guidelines, 2015. Collection method: clinical testing. Allele origin: germline.

GeneDx
Classification: Likely benign. Last evaluated: 2017-04-27. Review status: criteria provided, single submitter. Criteria: GeneDx Variant Classification (06012015). Collection method: clinical testing. Allele origin: germline. Affected: yes.
Comment: This variant is considered likely benign or benign based on one or more of the following criteria: it is a conservative change, it occurs at a poorly conserved position in the protein, it is predicted to be benign by multiple in silico algorithms, and/or has population frequency not consistent with disease.